The following is an entry in ClinVar:

ClinVar aggregate classification (germline): Uncertain significance (1 of 4 stars; one submission).

Conditions:
Inborn genetic diseases. Identifiers: MedGen C0950123, MeSH D030342.

gnomAD v4.1: 1 of 1,614,190 alleles (0.000062%); highest among the groups gnomAD compares: Non-Finnish European, 0.000085%; no homozygotes.

Submission:

Ambry Genetics
Classification: Uncertain significance for Inborn genetic diseases. Last evaluated: 2026-07-04. Review status: criteria provided, single submitter. Criteria: Ambry Variant Classification Scheme 2023. Collection method: clinical testing. Allele origin: germline.
Comment: The p.S415I variant (also known as c.1244G>T), located in coding exon 8 of the MECOM gene, results from a G to T substitution at nucleotide position 1244. The serine at codon 415 is replaced by isoleucine, an amino acid with dissimilar properties. This amino acid position is conserved. In addition, the in silico prediction for this alteration is inconclusive. Based on the available evidence, the clinical significance of this variant remains unclear.

NM_004991.4(MECOM):c.1244G>T (p.Ser415Ile)

Gene: MECOM (MDS1 and EVI1 complex locus; minus strand). Cytogenetic location: 3q26.2.
Variant type: single nucleotide variant.
Coding change: c.1244G>T on transcript NM_004991.4 (MANE Select); coding-DNA position 1244, G replaced by T.
Protein change: p.Ser415Ile; replaces serine 415 with isoleucine.
Molecular consequence: missense variant. On other transcripts: intron variant (2).
Genome position (GRCh38, 1-based): chr3:169,116,628, C>A on the plus strand (G>T on the coding strand, the complement: MECOM is on the minus strand). VCF-style: chr3-169116628-C-A. GRCh37 (hg19) VCF-style: chr3-168834416-C-A.
Other names: c.680G>T, p.Ser227Ile (NM_001366472.2, NM_005241.4, NM_001366471.2 and 4 more transcripts); c.1133-861G>T (NM_001366473.2); c.569-861G>T (NM_001366474.2); c.875G>T, p.Ser292Ile (NM_001105077.4); c.683G>T, p.Ser228Ile (NM_001163999.2, NM_001366467.2, NM_001366468.2 and 1 more transcripts); c.1244G>T, p.Ser415Ile (NM_001366466.2); short protein forms S227I, S415I, S228I, S292I.
Identifiers: ClinVar variation 5024128 (VCV005024128.1).